The following is an entry in ClinVar:

ClinVar aggregate classification (germline): Pathogenic. Review status: criteria provided, multiple submitters, no conflicts (2 of 4 stars). 7 submissions from 7 submitters: Pathogenic (6). 1 of the submissions does not count toward it. Last evaluated 2026-03-10.

Conditions:
Inborn genetic diseases. Identifiers: MedGen C0950123, MeSH D030342.
Thyroid dyshormonogenesis 6 (TDH6). Also called: Genetic transient congenital hypothyroidism; HYPOTHYROIDISM, CONGENITAL, DUE TO DYSHORMONOGENESIS, 6; THYROID HORMONOGENESIS, GENETIC DEFECT IN, 6. Identifiers: Orphanet 226316, Orphanet 95716, MedGen C1846632, MONDO:0011792, OMIM 607200.

Allele frequency attached by ClinVar (database versions not stated): gnomAD exomes 0.00007 and 0.00003; ExAC 0.00009.
gnomAD v4.1: 54 of 1,614,086 alleles (0.0033%); highest among the groups gnomAD compares: Admixed American, 0.012%; no homozygotes.

Submissions (7):

Dasa
Classification: Pathogenic. Last evaluated: 2026-03-10. Review status: criteria provided, single submitter. Criteria: DASA Assertion Criteria. Collection method: clinical testing. Allele origin: germline.
Comment: NM_001363711.2(DUOX2):c.1300C>T (p.Arg434Ter) introduces a premature termination codon predicted to result in loss of normal protein function. Loss-of-function is an established mechanism of disease for this gene. Segregation evidence has been reported in affected families. This variant has been observed in affected individuals with related phenotype in a genotype context consistent with recessive disease (PMID: 12110737; PMID: 24127536; PMID: 28633507; PMID: 18765513). This variant has been recurrently observed in individuals with related phenotype (PMID: 12110737; PMID: 24127536; PMID: 28633507; PMID: 18765513). The variant is present at low frequency in population datasets. Based on the available data, this variant is classified as pathogenic.

Labcorp Genetics (formerly Invitae), Labcorp
Classification: Pathogenic. Last evaluated: 2025-10-22. Review status: criteria provided, single submitter. Criteria: Invitae Variant Classification Sherloc (09022015). Collection method: clinical testing. Allele origin: germline.
Comment: This sequence change creates a premature translational stop signal (p.Arg434*) in the DUOX2 gene. It is expected to result in an absent or disrupted protein product. Loss-of-function variants in DUOX2 are known to be pathogenic (PMID: 12110737, 18765513, 21565790, 24423310, 24735383). This variant is present in population databases (rs119472026, gnomAD 0.02%). This premature translational stop signal has been observed in individual(s) with autosomal recessive congenital hypothyroidism (PMID: 12110737, 24127536). ClinVar contains an entry for this variant (Variation ID: 4062). Algorithms developed to predict the effect of sequence changes on RNA splicing suggest that this variant may disrupt the consensus splice site. For these reasons, this variant has been classified as Pathogenic.

Fulgent Genetics
Classification: Pathogenic for Thyroid dyshormonogenesis 6. Last evaluated: 2024-05-28. Review status: criteria provided, single submitter. Criteria: ACMG Guidelines, 2015. Collection method: clinical testing. Allele origin: germline.

Ambry Genetics
Classification: Pathogenic for Inborn genetic diseases. Last evaluated: 2022-01-28. Review status: criteria provided, single submitter. Criteria: Ambry Variant Classification Scheme 2023. Collection method: clinical testing. Allele origin: germline.
Comment: The c.1300C>T (p.R434*) alteration, located in exon 12 (coding exon 11) of the DUOX2 gene, consists of a C to T substitution at nucleotide position 1300. This changes the amino acid from a arginine (R) to a stop codon at amino acid position 434. This alteration is expected to result in loss of function by premature protein truncation or nonsense-mediated mRNA decay. This alteration has been detected in individuals with congenital hypothyroidism, in the homozygous state and in the heterozygous state without a second alteration identified (Cangul, 2014; Moreno, 2002; Wang, 2020). Based on the available evidence, this alteration is classified as pathogenic.

Revvity Omics, Revvity
Classification: Pathogenic for Thyroid dyshormonogenesis 6. Last evaluated: 2021-04-08. Review status: criteria provided, single submitter. Criteria: ACMG Guidelines, 2015. Collection method: clinical testing. Allele origin: germline.

Institute of Human Genetics Munich, TUM University Hospital
Classification: Pathogenic for Thyroid dyshormonogenesis 6. Last evaluated: 2019-04-04. Review status: criteria provided, single submitter. Criteria: Classification criteria August 2017. Collection method: clinical testing. Allele origin: inherited. Inheritance: Autosomal recessive inheritance. Affected: yes. Observed: 1 homozygote.

OMIM
Classification: Pathogenic for THYROID DYSHORMONOGENESIS 6. Last evaluated: 2002-07-11. Review status: no assertion criteria provided. Collection method: literature only. Allele origin: germline. Not counted in ClinVar's aggregate classification.

Literature cited by the submitters: PubMed 12110737 (cited by 4 submitters); PubMed 24127536 (cited by 3 submitters); PubMed 28633507 (cited by Dasa); PubMed 18765513 (cited by Dasa and Labcorp Genetics (formerly Invitae), Labcorp); PubMed 21565790 (cited by Labcorp Genetics (formerly Invitae), Labcorp); PubMed 24423310 (cited by Labcorp Genetics (formerly Invitae), Labcorp); PubMed 24735383 (cited by Labcorp Genetics (formerly Invitae), Labcorp); PubMed 32319661 (cited by Ambry Genetics).

NM_001363711.2(DUOX2):c.1300C>T (p.Arg434Ter)

Gene: DUOX2 (dual oxidase 2; minus strand). Cytogenetic location: 15q21.1.
Variant type: single nucleotide variant.
Coding change: c.1300C>T on transcript NM_001363711.2 (MANE Select); coding-DNA position 1300, C replaced by T.
Protein change: p.Arg434Ter; replaces arginine 434 with a stop codon.
Molecular consequence: nonsense.
Genome position (GRCh38, 1-based): chr15:45,108,887, G>A on the plus strand (C>T on the coding strand, the complement: DUOX2 is on the minus strand). VCF-style: chr15-45108887-G-A. GRCh37 (hg19) VCF-style: chr15-45401085-G-A.
Other names: c.1300C>T, p.Arg434Ter (NM_014080.5); short protein forms R434*.
Identifiers: ClinVar variation 4062 (VCV000004062.19), dbSNP rs119472026, ClinGen allele CA116636.